The following is an entry in ClinVar:

NM_014244.5(ADAMTS2):c.460_461insAAACTGCAGTGGCCTCT (p.Ser154fs)

Gene: ADAMTS2 (ADAM metallopeptidase with thrombospondin type 1 motif 2; minus strand). Cytogenetic location: 5q35.3.
Variant type: Insertion.
Coding change: c.460_461insAAACTGCAGTGGCCTCT on transcript NM_014244.5 (MANE Select); coding-DNA positions 460 to 461, AAACTGCAGTGGCCTCT inserted.
Protein change: p.Ser154fs; shifts the reading frame from serine 154.
Molecular consequence: frameshift variant.
Genome position: GRCh38 VCF-style: chr5-179343840-C-CAGAGGCCACTGCAGTTT. GRCh37 (hg19) VCF-style: chr5-178770841-C-CAGAGGCCACTGCAGTTT.
Other names: c.460_461insAAACTGCAGTGGCCTCT, p.Ser154fs (NM_021599.4); short protein forms S154fs.
Identifiers: ClinVar variation 1723970 (VCV001723970.2), dbSNP rs2532189832, ClinGen allele CA2580074163.

ClinVar aggregate classification (germline): Likely pathogenic (1 of 4 stars; one submission).

Conditions:
Ehlers-Danlos syndrome, dermatosparaxis type. Also called: EDS VIIC; Dermatosparaxis; Ehlers-Danlos syndrome, type VII, autosomal recessive. Identifiers: Orphanet 1901, MedGen C2700425, MONDO:0009161, OMIM 225410.

Submission:

Myriad Genetics, Inc.
Classification: Likely pathogenic for Ehlers-Danlos syndrome, dermatosparaxis type. Last evaluated: 2022-01-17. Review status: criteria provided, single submitter. Criteria: Myriad Women's Health Autosomal Recessive and X-Linked Classification Criteria (2021). Collection method: clinical testing. Allele origin: unknown.
Comment: NM_014244.4(ADAMTS2):c.460_461ins17(S154Kfs*17) is expected to be pathogenic in the context of Ehlers-Danlos syndrome type VIIC. This variant is predicted to lead to an abnormal or absent protein product due to the creation of a premature termination codon in ADAMTS2, a gene where loss-of-function variants are known to be pathogenic. Please note: this variant was assessed in the context of healthy population screening.